The following is an entry in ClinVar:

ClinVar aggregate classification (germline): Uncertain significance (1 of 4 stars; one submission).

gnomAD v4.1: 14 of 1,606,442 alleles (0.00087%); highest among the groups gnomAD compares: East Asian, 0.018%; no homozygotes.

Submission:

Labcorp Genetics (formerly Invitae), Labcorp
Classification: Uncertain significance. Last evaluated: 2025-11-03. Review status: criteria provided, single submitter. Criteria: Invitae Variant Classification Sherloc (09022015). Collection method: clinical testing. Allele origin: germline.
Comment: This sequence change replaces methionine, which is neutral and non-polar, with valine, which is neutral and non-polar, at codon 384 of the GEN1 protein (p.Met384Val). This variant is present in population databases (rs551976440, gnomAD 0.03%). This variant has not been reported in the literature in individuals affected with GEN1-related conditions. ClinVar contains an entry for this variant (Variation ID: 3707311). An algorithm developed to predict the effect of missense changes on protein structure and function (PolyPhen-2) suggests that this variant is likely to be disruptive. In summary, the available evidence is currently insufficient to determine the role of this variant in disease. Therefore, it has been classified as a Variant of Uncertain Significance.

NM_001130009.3(GEN1):c.1150A>G (p.Met384Val)

Gene: GEN1 (GEN1 structure-specific endonuclease; plus strand). Cytogenetic location: 2p24.2.
Variant type: single nucleotide variant.
Coding change: c.1150A>G on transcript NM_001130009.3 (MANE Select); coding-DNA position 1150, A replaced by G.
Protein change: p.Met384Val; replaces methionine 384 with valine.
Molecular consequence: missense variant.
Genome position (GRCh38, 1-based): chr2:17,774,349, A>G. VCF-style: chr2-17774349-A-G. GRCh37 (hg19) VCF-style: chr2-17955616-A-G.
Other names: c.1150A>G, p.Met384Val (NM_182625.5); short protein forms M384V.
Identifiers: ClinVar variation 3707311 (VCV003707311.2).